The following is an entry in ClinVar:

ClinVar aggregate classification (germline): Conflicting classifications of pathogenicity. Review status: criteria provided, conflicting classifications (1 of 4 stars). 3 submissions from 3 submitters: Uncertain significance (2); Likely benign (1). Last evaluated 2025-12-28.

Conditions:
Hereditary cancer-predisposing syndrome. Also called: Neoplastic Syndromes, Hereditary; Tumor predisposition; Hereditary neoplastic syndrome; Hereditary Cancer Syndrome. Identifiers: Orphanet 140162, MedGen C0027672, MeSH D009386, MONDO:0015356.
Hereditary breast ovarian cancer syndrome. Also called: Hereditary breast and ovarian cancer syndrome; Hereditary breast and ovarian cancer; Hereditary breast and ovarian cancer syndrome (HBOC); Breast and ovarian cancer; Hereditary breast and/or ovarian cancer syndrome; BRCA1- and BRCA2-Associated Hereditary Breast and Ovarian Cancer. Identifiers: Orphanet 145, MedGen C0677776, MeSH D061325, MONDO:0003582. Disease mechanism: loss of function.

Submissions (3):

Labcorp Genetics (formerly Invitae), Labcorp
Classification: Uncertain significance for Hereditary breast ovarian cancer syndrome. Last evaluated: 2025-12-28. Review status: criteria provided, single submitter. Criteria: Invitae Variant Classification Sherloc (09022015). Collection method: clinical testing. Allele origin: germline.
Comment: This sequence change replaces cysteine, which is neutral and slightly polar, with phenylalanine, which is neutral and non-polar, at codon 2212 of the BRCA2 protein (p.Cys2212Phe). This variant is not present in population databases (gnomAD no frequency). This variant has not been reported in the literature in individuals affected with BRCA2-related conditions. ClinVar contains an entry for this variant (Variation ID: 630060). Invitae Evidence Modeling of protein sequence and biophysical properties (such as structural, functional, and spatial information, amino acid conservation, physicochemical variation, residue mobility, and thermodynamic stability) indicates that this missense variant is not expected to disrupt BRCA2 protein function with a negative predictive value of 95%. In summary, the available evidence is currently insufficient to determine the role of this variant in disease. Therefore, it has been classified as a Variant of Uncertain Significance.

Color Diagnostics, LLC DBA Color Health
Classification: Uncertain significance for Hereditary cancer-predisposing syndrome. Last evaluated: 2024-04-01. Review status: criteria provided, single submitter. Criteria: ACMG Guidelines, 2015. Collection method: clinical testing. Allele origin: germline.
Comment: This missense variant replaces cysteine with phenylalanine at codon 2212 of the BRCA2 protein. Computational prediction is inconclusive regarding the impact of this variant on protein structure and function. To our knowledge, functional studies have not been reported for this variant. This variant has not been reported in individuals affected with BRCA2-related disorders in the literature. This variant has not been identified in the general population by the Genome Aggregation Database (gnomAD). The available evidence is insufficient to determine the role of this variant in disease conclusively. Therefore, this variant is classified as a Variant of Uncertain Significance.

University of Washington Department of Laboratory Medicine, University of Washington
Classification: Likely benign for Hereditary cancer-predisposing syndrome. Last evaluated: 2023-03-23. Review status: criteria provided, single submitter. Criteria: Dines et al. (Genet Med. 2020). Collection method: curation. Allele origin: germline.
Comment: Missense variant in a coldspot region where missense variants are very unlikely to be pathogenic (PMID:31911673).

BRCA2 exon 11 coldspot. Reclassification based on statistical prior probability.

NM_000059.4(BRCA2):c.6635G>T (p.Cys2212Phe)

Gene: BRCA2 (BRCA2 DNA repair associated; plus strand). Cytogenetic location: 13q13.1.
Variant type: single nucleotide variant.
Coding change: c.6635G>T on transcript NM_000059.4 (MANE Select); coding-DNA position 6635, G replaced by T.
Protein change: p.Cys2212Phe; replaces cysteine 2212 with phenylalanine.
Molecular consequence: missense variant.
Genome position (GRCh38, 1-based): chr13:32,340,990, G>T. VCF-style: chr13-32340990-G-T. GRCh37 (hg19) VCF-style: chr13-32915127-G-T.
Other names: short protein forms C2212F.
Identifiers: ClinVar variation 630060 (VCV000630060.7), dbSNP rs1566235052, ClinGen allele CA387790304.
Genomic context (GRCh38, chr13:32,340,990, plus strand): 5'-TGGAAATTGGTAAAACTGAAACTTTTTCTGATGTTCCTGTGAAAACAAATATAGAAGTTT[G>T]TTCTACTTACTCCAAAGATTCAGAAAACTACTTTGAAACAGAAGCAGTAGAAATTGCTAA-3'
Protein context (NP_000050.3, residues 2202-2222): DVPVKTNIEV[Cys2212Phe]STYSKDSENY